The following is an entry in ClinVar:

ClinVar aggregate classification (germline): Uncertain significance. Review status: criteria provided, multiple submitters, no conflicts (2 of 4 stars). 4 submissions from 4 submitters: Uncertain significance (3). 1 of the submissions does not count toward it. Last evaluated 2025-12-24.

Conditions:
Van Maldergem syndrome 2 (VMLDS2). Identifiers: Orphanet 314679, MedGen C3809875, MONDO:0014242, OMIM 615546.
Hennekam lymphangiectasia-lymphedema syndrome 2 (HKLLS2). Identifiers: Orphanet 2136, MedGen C4014939, MONDO:0014454, OMIM 616006.
FAT4-related disorder. Also called: FAT4-related condition.

Allele frequency attached by ClinVar (database versions not stated): ExAC 0.00002; gnomAD 0.00002; gnomAD exomes 0.00002; TOPMed 0.00003; ESP Exome Variant Server 0.00008.
gnomAD v4.1: 38 of 1,613,998 alleles (0.0024%); highest among the groups gnomAD compares: Non-Finnish European, 0.0032%; no homozygotes.

Submissions (4):

Labcorp Genetics (formerly Invitae), Labcorp
Classification: Uncertain significance. Last evaluated: 2025-12-24. Review status: criteria provided, single submitter. Criteria: Invitae Variant Classification Sherloc (09022015). Collection method: clinical testing. Allele origin: germline.
Comment: This sequence change replaces glutamic acid, which is acidic and polar, with lysine, which is basic and polar, at codon 1473 of the FAT4 protein (p.Glu1473Lys). This variant is present in population databases (rs377534767, gnomAD 0.004%). This variant has not been reported in the literature in individuals affected with FAT4-related conditions. ClinVar contains an entry for this variant (Variation ID: 1312817). Invitae Evidence Modeling of protein sequence and biophysical properties (such as structural, functional, and spatial information, amino acid conservation, physicochemical variation, residue mobility, and thermodynamic stability) indicates that this missense variant is not expected to disrupt FAT4 protein function with a negative predictive value of 80%. In summary, the available evidence is currently insufficient to determine the role of this variant in disease. Therefore, it has been classified as a Variant of Uncertain Significance.

Fulgent Genetics
Classification: Uncertain significance for Van Maldergem syndrome 2; Hennekam lymphangiectasia-lymphedema syndrome 2. Last evaluated: 2024-05-16. Review status: criteria provided, single submitter. Criteria: ACMG Guidelines, 2015. Collection method: clinical testing. Allele origin: germline.

GeneDx
Classification: Uncertain significance. Last evaluated: 2020-06-29. Review status: criteria provided, single submitter. Criteria: GeneDx Variant Classification Process June 2021. Collection method: clinical testing. Allele origin: germline. Affected: yes.
Comment: Not observed at a significant frequency in large population cohorts (Lek et al., 2016); In silico analysis supports that this missense variant does not alter protein structure/function; Has not been previously published as pathogenic or benign to our knowledge

PreventionGenetics, part of Exact Sciences
Classification: Uncertain significance for FAT4-related condition. Last evaluated: 2024-07-13. Review status: no assertion criteria provided. Collection method: clinical testing. Allele origin: germline. Not counted in ClinVar's aggregate classification.
Comment: The FAT4 c.4417G>A variant is predicted to result in the amino acid substitution p.Glu1473Lys. To our knowledge, this variant has not been reported in the literature. This variant is reported in 0.0039% of alleles in individuals of European (Non-Finnish) descent in gnomAD. At this time, the clinical significance of this variant is uncertain due to the absence of conclusive functional and genetic evidence.

NM_001291303.3(FAT4):c.4417G>A (p.Glu1473Lys)

Gene: FAT4 (FAT atypical cadherin 4; plus strand). Cytogenetic location: 4q28.1.
Variant type: single nucleotide variant.
Coding change: c.4417G>A on transcript NM_001291303.3 (MANE Select); coding-DNA position 4417, G replaced by A.
Protein change: p.Glu1473Lys; replaces glutamic acid 1473 with lysine.
Molecular consequence: missense variant.
Genome position (GRCh38, 1-based): chr4:125,320,828, G>A. VCF-style: chr4-125320828-G-A. GRCh37 (hg19) VCF-style: chr4-126241983-G-A.
Other names: c.4417G>A, p.Glu1473Lys (NM_001291285.3, NM_024582.6); c.4417G>A (NM_024582.5); short protein forms E1473K.
Identifiers: ClinVar variation 1312817 (VCV001312817.7), dbSNP rs377534767, ClinGen allele CA3072463.
Genomic context (GRCh38, chr4:125,320,828, plus strand): 5'-GGTCAACTATCCTACACAATCATTCAACAGATGCCAAGAGGCAACCACTTTACCATAGAT[G>A]AAGTCAAAGGGACTATATATACTAATGCTGAAATAGATCGGGAATTTGCTAATCTCTTTG-3'
Protein context (NP_001278232.1, residues 1463-1483): MPRGNHFTID[Glu1473Lys]VKGTIYTNAE